The following is an entry in ClinVar:

ClinVar aggregate classification (germline): Uncertain significance (1 of 4 stars; one submission).

gnomAD v4.1: 2 of 1,550,446 alleles (0.00013%); highest among the groups gnomAD compares: Non-Finnish European, 0.00017%; no homozygotes.

Submission:

Women's Health and Genetics/Laboratory Corporation of America, LabCorp
Classification: Uncertain significance. Last evaluated: 2026-01-12. Review status: criteria provided, single submitter. Criteria: LabCorp Variant Classification Summary - May 2015. Collection method: clinical testing. Allele origin: germline.
Comment: Variant summary: ZNF469 c.10639C>T (p.His3547Tyr) results in a conservative amino acid change in the encoded protein sequence. Algorithms developed to predict the effect of missense changes on protein structure and function are either unavailable or do not agree on the potential impact of this missense change. The variant was absent in 153714 control chromosomes. The available data on variant occurrences in the general population are insufficient to allow any conclusion about variant significance. To our knowledge, no occurrence of c.10639C>T in individuals affected with ZNF469-related conditions and no experimental evidence demonstrating its impact on protein function have been reported. No submitters have cited clinical-significance assessments for this variant to ClinVar. Based on the evidence outlined above, the variant was classified as uncertain significance.

NM_001367624.2(ZNF469):c.10639C>T (p.His3547Tyr)

Gene: ZNF469 (zinc finger protein 469; plus strand). Cytogenetic location: 16q24.2.
Variant type: single nucleotide variant.
Coding change: c.10639C>T on transcript NM_001367624.2 (MANE Select); coding-DNA position 10639, C replaced by T.
Protein change: p.His3547Tyr; replaces histidine 3547 with tyrosine.
Molecular consequence: missense variant.
Genome position (GRCh38, 1-based): chr16:88,438,109, C>T. VCF-style: chr16-88438109-C-T. GRCh37 (hg19) VCF-style: chr16-88504517-C-T.
Other names: short protein forms H3547Y.
Identifiers: ClinVar variation 4689467 (VCV004689467.1).